The following is an entry in ClinVar:

ClinVar aggregate classification (germline): Uncertain significance (1 of 4 stars; one submission).

Conditions:
Arrhythmogenic right ventricular dysplasia 8 (ARVD8). Also called: ARRHYTHMOGENIC RIGHT VENTRICULAR DYSPLASIA, FAMILIAL, 8; Arrhythmogenic Right Ventricular Dysplasia/Cardiomyopathy 8; ARRHYTHMOGENIC RIGHT VENTRICULAR CARDIOMYOPATHY 8. Identifiers: MedGen C1843896, MONDO:0011831, OMIM 607450.
Arrhythmogenic cardiomyopathy with wooly hair and keratoderma. Also called: Dilated cardiomyopathy with woolly hair and keratoderma; Carvajal syndrome; Arrhythmogenic cardiomyopathy with woolly hair and keratoderma; PALMOPLANTAR KERATODERMA WITH LEFT VENTRICULAR CARDIOMYOPATHY AND WOOLLY HAIR. Identifiers: Orphanet 65282, MedGen C1854063, MONDO:0011581, OMIM 605676.

Submission:

Labcorp Genetics (formerly Invitae), Labcorp
Classification: Uncertain significance for Arrhythmogenic cardiomyopathy with wooly hair and keratoderma; Arrhythmogenic right ventricular dysplasia 8. Last evaluated: 2020-05-24. Review status: criteria provided, single submitter. Criteria: Invitae Variant Classification Sherloc (09022015). Collection method: clinical testing. Allele origin: germline.
Comment: This variant is not present in population databases (ExAC no frequency). In summary, the available evidence is currently insufficient to determine the role of this variant in disease. Therefore, it has been classified as a Variant of Uncertain Significance. Algorithms developed to predict the effect of missense changes on protein structure and function are either unavailable or do not agree on the potential impact of this missense change (SIFT: "Deleterious"; PolyPhen-2: "Possibly Damaging"; Align-GVGD: "Class C0"). This variant has not been reported in the literature in individuals with DSP-related conditions. This sequence change replaces arginine with isoleucine at codon 1009 of the DSP protein (p.Arg1009Ile). The arginine residue is highly conserved and there is a moderate physicochemical difference between arginine and isoleucine.

NM_004415.4(DSP):c.3026G>T (p.Arg1009Ile)

Gene: DSP (desmoplakin; plus strand). Cytogenetic location: 6p24.3.
Variant type: single nucleotide variant.
Coding change: c.3026G>T on transcript NM_004415.4 (MANE Select); coding-DNA position 3026, G replaced by T.
Protein change: p.Arg1009Ile; replaces arginine 1009 with isoleucine.
Molecular consequence: missense variant.
Genome position (GRCh38, 1-based): chr6:7,578,504, G>T. VCF-style: chr6-7578504-G-T. GRCh37 (hg19) VCF-style: chr6-7578737-G-T.
Other names: c.3026G>T, p.Arg1009Ile (NM_001008844.3, NM_001319034.2); short protein forms R1009I.
Identifiers: ClinVar variation 1020030 (VCV001020030.9), dbSNP rs1759318084, ClinGen allele CA362682668.